The following is an entry in ClinVar:

ClinVar aggregate classification (germline): Uncertain significance (1 of 4 stars; one submission).

Submission:

Labcorp Genetics (formerly Invitae), Labcorp
Classification: Uncertain significance. Last evaluated: 2023-08-04. Review status: criteria provided, single submitter. Criteria: Invitae Variant Classification Sherloc (09022015). Collection method: clinical testing. Allele origin: germline.
Comment: In summary, the available evidence is currently insufficient to determine the role of this variant in disease. Therefore, it has been classified as a Variant of Uncertain Significance. Experimental studies and prediction algorithms are not available or were not evaluated, and the functional significance of this variant is currently unknown. This variant has not been reported in the literature in individuals affected with SNRNP200-related conditions. This variant is present in population databases (no rsID available, gnomAD 0.0009%). This variant, c.3621_3626del, is a complex sequence change that results in the deletion of 3 and insertion of 1 amino acid(s) in the SNRNP200 protein (p.Asp1207_Gln1209delinsGlu).

NM_014014.5(SNRNP200):c.3621_3626del (p.Asp1207_Gln1209delinsGlu)

Gene: SNRNP200 (small nuclear ribonucleoprotein U5 subunit 200; minus strand). Cytogenetic location: 2q11.2.
Variant type: Deletion.
Coding change: c.3621_3626del on transcript NM_014014.5 (MANE Select); coding-DNA positions 3621 to 3626, 6 bases deleted (CTTCCA; older notation c.3621_3626delCTTCCA).
Protein change: p.Asp1207_Gln1209delinsGlu.
Molecular consequence: inframe indel.
Genome position (GRCh38, 1-based): chr2:96,287,019-96,287,024, TGGAAG deleted on the plus strand (CTTCCA on the coding strand, the reverse complement: SNRNP200 is on the minus strand); deleting any 6 consecutive bases within chr2:96,287,019-96,287,025 gives the same sequence; the c. name uses the placement nearest the transcript's 3' end. VCF-style (leftmost placement, unchanged base first): chr2-96287018-CTGGAAG-C. GRCh37 (hg19) VCF-style: chr2-96952756-CTGGAAG-C.
Identifiers: ClinVar variation 2869795 (VCV002869795.3), dbSNP rs1341440904, ClinGen allele CA534635111.
Genomic context (GRCh38, chr2:96,287,018, plus strand): 5'-GTAGACTGAGCACCTCCAATCCAGCACCTCTGCCCAGCAAAGCCTCACCTTTTCATCCCA[CTGGAAG>C]TCTGGCGTGATGGTCAGCTCCACCTTCAGGGTGGAGCGTGTGATAGGCTGCAGGTGCACT-3'